The following is an entry in ClinVar:

ClinVar aggregate classification (germline): Uncertain significance. Review status: criteria provided, multiple submitters, no conflicts (2 of 4 stars). 2 submissions from 2 submitters: Uncertain significance (2). Last evaluated 2025-02-27.

Conditions:
Charcot-Marie-Tooth disease type 2. Also called: Charcot-Marie-Tooth type 2. Identifiers: Orphanet 64746, MedGen C0270914, MONDO:0018993.
Cardiomyopathy (CMYO). Also called: Cardiomyopathies. Identifiers: Orphanet 167848, MedGen C0878544, MONDO:0004994, HP:0001638. Inheritance: Various modes of inheritance.

Submissions (2):

Labcorp Genetics (formerly Invitae), Labcorp
Classification: Uncertain significance for Charcot-Marie-Tooth disease type 2. Last evaluated: 2025-02-27. Review status: criteria provided, single submitter. Criteria: Invitae Variant Classification Sherloc (09022015). Collection method: clinical testing. Allele origin: germline.
Comment: This sequence change replaces histidine, which is basic and polar, with arginine, which is basic and polar, at codon 163 of the LMNA protein (p.His163Arg). This variant is not present in population databases (gnomAD no frequency). This variant has not been reported in the literature in individuals affected with LMNA-related conditions. ClinVar contains an entry for this variant (Variation ID: 921469). Invitae Evidence Modeling of protein sequence and biophysical properties (such as structural, functional, and spatial information, amino acid conservation, physicochemical variation, residue mobility, and thermodynamic stability) indicates that this missense variant is not expected to disrupt LMNA protein function with a negative predictive value of 95%. In summary, the available evidence is currently insufficient to determine the role of this variant in disease. Therefore, it has been classified as a Variant of Uncertain Significance.

Color Diagnostics, LLC DBA Color Health
Classification: Uncertain significance for Cardiomyopathy. Last evaluated: 2023-12-04. Review status: criteria provided, single submitter. Criteria: ACMG Guidelines, 2015. Collection method: clinical testing. Allele origin: germline.
Comment: Variant of Uncertain Significance due to insufficient evidence: This missense variant replaces histidine with arginine at codon 163 of the lamin A/C protein. Computational prediction tools and conservation analyses are inconclusive regarding the impact of this variant on the protein function. Computational splicing tools suggest that this variant may not impact RNA splicing. To our knowledge, functional assays have not been performed for this variant nor has this variant been reported in individuals affected with cardiovascular disorders in the literature. This variant is rare in the general population and has been identified in 0/277264 chromosomes by the Genome Aggregation Database (gnomAD). Available evidence is insufficient to determine the role of this variant in disease conclusively.

NM_170707.4(LMNA):c.488A>G (p.His163Arg)

Genes: LMNA (lamin A/C; plus strand), LOC126805877 (MED14-independent group 3 enhancer GRCh37_chr1:156099693-156100892; plus strand). Cytogenetic location: 1q22.
Variant type: single nucleotide variant.
Coding change: c.488A>G on transcript NM_170707.4 (MANE Select); coding-DNA position 488, A replaced by G.
Protein change: p.His163Arg; replaces histidine 163 with arginine.
Molecular consequence: missense variant.
Genome position (GRCh38, 1-based): chr1:156,130,748, A>G. VCF-style: chr1-156130748-A-G. GRCh37 (hg19) VCF-style: chr1-156100539-A-G.
Other names: c.152A>G, p.His51Arg (NM_001257374.3); c.245A>G, p.His82Arg (NM_001282624.2); c.488A>G, p.His163Arg (NM_001282625.2, NM_001282626.2, NM_005572.4 and 1 more transcripts); short protein forms H82R, H163R, H51R.
Identifiers: ClinVar variation 921469 (VCV000921469.6), dbSNP rs1650987918, ClinGen allele CA342815622.